The following is an entry in ClinVar:

NM_033163.5(FGF8):c.320A>G (p.Glu107Gly)

Gene: FGF8 (fibroblast growth factor 8; minus strand). Cytogenetic location: 10q24.32.
Variant type: single nucleotide variant.
Coding change: c.320A>G on transcript NM_033163.5 (MANE Select); coding-DNA position 320, A replaced by G.
Protein change: p.Glu107Gly; replaces glutamic acid 107 with glycine.
Molecular consequence: missense variant.
Genome position (GRCh38, 1-based): chr10:101,774,749, T>C on the plus strand (A>G on the coding strand, the complement: FGF8 is on the minus strand). VCF-style: chr10-101774749-T-C. GRCh37 (hg19) VCF-style: chr10-103534506-T-C.
Other names: c.8A>G, p.Glu3Gly (NM_001206389.2); c.233A>G, p.Glu78Gly (NM_006119.6); c.287A>G, p.Glu96Gly (NM_033164.4); c.200A>G, p.Glu67Gly (NM_033165.5); short protein forms E107G, E3G, E67G, E78G, E96G.
Identifiers: ClinVar variation 3897394 (VCV003897394.1).

ClinVar aggregate classification (germline): Uncertain significance (1 of 4 stars; one submission).

gnomAD v4.1: 1 of 1,606,644 alleles (0.000062%); highest among the groups gnomAD compares: Non-Finnish European, 0.000085%; no homozygotes.

Submission:

GeneDx
Classification: Uncertain significance. Last evaluated: 2024-10-31. Review status: criteria provided, single submitter. Criteria: GeneDx Variant Classification Process June 2021. Collection method: clinical testing. Allele origin: germline. Affected: yes.
Comment: Not observed at significant frequency in large population cohorts (gnomAD); In silico analysis supports that this missense variant has a deleterious effect on protein structure/function; Has not been previously published as pathogenic or benign to our knowledge